The following is an entry in ClinVar:

NM_006580.4(CLDN16):c.477A>G (p.Gln159=)

Gene: CLDN16 (claudin 16; plus strand). Cytogenetic location: 3q28.
Variant type: single nucleotide variant.
Coding change: c.477A>G on transcript NM_006580.4 (MANE Select); coding-DNA position 477, A replaced by G.
Protein change: p.Gln159=; no amino-acid change (glutamine 159 retained).
Molecular consequence: synonymous variant.
Genome position (GRCh38, 1-based): chr3:190,408,408, A>G. VCF-style: chr3-190408408-A-G. GRCh37 (hg19) VCF-style: chr3-190126197-A-G.
Other names: c.477A>G, p.Gln159= (NM_001378492.1, NM_001378493.1).
Identifiers: ClinVar variation 843705 (VCV000843705.10), dbSNP rs532245223, ClinGen allele CA2753879.

ClinVar aggregate classification (germline): Conflicting classifications of pathogenicity. Review status: criteria provided, conflicting classifications (1 of 4 stars). 4 submissions from 4 submitters: Uncertain significance (1); Likely benign (3). Last evaluated 2026-01-21.

Conditions:
Primary hypomagnesemia (HOMG3). Also called: HYPOMAGNESEMIA 3, RENAL; HYPOMAGNESEMIA, FAMILIAL, WITH HYPERCALCIURIA AND NEPHROCALCINOSIS; HYPOMAGNESEMIA, ISOLATED RENAL; HYPOMAGNESEMIA, PRIMARY, DUE TO DEFECT IN RENAL TUBULAR TRANSPORT OF MAGNESIUM. Identifiers: Orphanet 31043, MedGen C0268448, MONDO:0009550, OMIM 248250.
CLDN16-related disorder. Also called: CLDN16-related condition.
Inborn genetic diseases. Identifiers: MedGen C0950123, MeSH D030342.

Allele frequency attached by ClinVar (database versions not stated): ExAC 0.00001; gnomAD exomes 0.00001; gnomAD 0.00007; 1000 Genomes Project 30x 0.00016; TOPMed 0.00016; 1000 Genomes Project 0.00020.
gnomAD v4.1: 21 of 1,614,102 alleles (0.0013%); highest among the groups gnomAD compares: Admixed American, 0.025%; no homozygotes.

Submissions (4):

PreventionGenetics, part of Exact Sciences
Classification: Likely benign for CLDN16-related condition. Last evaluated: 2026-01-21. Review status: criteria provided, single submitter. Criteria: ACMG Guidelines, 2015. Collection method: clinical testing. Allele origin: germline.
Comment: This variant is classified as likely benign based on ACMG/AMP sequence variant interpretation guidelines (Richards et al. 2015 PMID: 25741868, with internal and published modifications).

Ambry Genetics
Classification: Likely benign for Inborn genetic diseases. Last evaluated: 2024-11-10. Review status: criteria provided, single submitter. Criteria: Ambry Variant Classification Scheme 2023. Collection method: clinical testing. Allele origin: germline.

Fulgent Genetics
Classification: Uncertain significance for Primary hypomagnesemia. Last evaluated: 2024-03-22. Review status: criteria provided, single submitter. Criteria: ACMG Guidelines, 2015. Collection method: clinical testing. Allele origin: germline.

Labcorp Genetics (formerly Invitae), Labcorp
Classification: Likely benign. Last evaluated: 2024-02-17. Review status: criteria provided, single submitter. Criteria: Invitae Variant Classification Sherloc (09022015). Collection method: clinical testing. Allele origin: germline.